The following is an entry in ClinVar:

ClinVar aggregate classification (germline): Uncertain significance (1 of 4 stars; one submission).

Conditions:
Fanconi anemia complementation group J. Also called: BRIP1-Related Fanconi Anemia. Identifiers: Orphanet 84, MedGen C1836860, MONDO:0012187, OMIM 609054.
Familial cancer of breast. Also called: hereditary breast carcinoma; Hereditary breast cancer; BREAST CANCER, FAMILIAL. Identifiers: Orphanet 227535, MedGen C0346153, MONDO:0016419, OMIM 114480. Disease mechanism: loss of function.

Submission:

Labcorp Genetics (formerly Invitae), Labcorp
Classification: Uncertain significance for Familial cancer of breast; Fanconi anemia complementation group J. Last evaluated: 2020-12-23. Review status: criteria provided, single submitter. Criteria: Invitae Variant Classification Sherloc (09022015). Collection method: clinical testing. Allele origin: germline.
Comment: This sequence change replaces arginine with glycine at codon 1174 of the BRIP1 protein (p.Arg1174Gly). The arginine residue is weakly conserved and there is a moderate physicochemical difference between arginine and glycine. This variant is not present in population databases (ExAC no frequency). In summary, the available evidence is currently insufficient to determine the role of this variant in disease. Therefore, it has been classified as a Variant of Uncertain Significance. Algorithms developed to predict the effect of missense changes on protein structure and function output the following: SIFT: "Tolerated"; PolyPhen-2: "Benign"; Align-GVGD: "Class C0". The glycine amino acid residue is found in multiple mammalian species, suggesting that this missense change does not adversely affect protein function. These predictions have not been confirmed by published functional studies and their clinical significance is uncertain. This variant has not been reported in the literature in individuals with BRIP1-related conditions.

NM_032043.3(BRIP1):c.3520A>G (p.Arg1174Gly)

Gene: BRIP1 (BRCA1 interacting DNA helicase 1; minus strand). Cytogenetic location: 17q23.2.
Variant type: single nucleotide variant.
Coding change: c.3520A>G on transcript NM_032043.3 (MANE Select); coding-DNA position 3520, A replaced by G.
Protein change: p.Arg1174Gly; replaces arginine 1174 with glycine.
Molecular consequence: missense variant.
Genome position (GRCh38, 1-based): chr17:61,683,526, T>C on the plus strand (A>G on the coding strand, the complement: BRIP1 is on the minus strand). VCF-style: chr17-61683526-T-C. GRCh37 (hg19) VCF-style: chr17-59760887-T-C.
Other names: short protein forms R1174G.
Identifiers: ClinVar variation 1496891 (VCV001496891.9), dbSNP rs2144073209, ClinGen allele CA400478436.
Genomic context (GRCh38, chr17:61,683,526, plus strand): 5'-TTGTATCTATGCAATCCTCAGCTTTCACTTCTCTGGCTGAATCTACTTCTTTTATAGTTC[T>C]AATTTCAAAAAGGTCTTTAGCTAAAATGCAATCTGAATTGTTAGCCAATCTATTTCCTCT-3'
Protein context (NP_114432.2, residues 1164-1184): CILAKDLFEI[Arg1174Gly]TIKEVDSARE